The following is an entry in ClinVar:

ClinVar aggregate classification (germline): Uncertain significance (1 of 4 stars; one submission).

Conditions:
Brody myopathy. Also called: BRODY DISEASE. Identifiers: Orphanet 53347, MedGen C1832918, MONDO:0010977, OMIM 601003.

Allele frequency attached by ClinVar (database versions not stated): TOPMed 0.00001.

Submission:

Labcorp Genetics (formerly Invitae), Labcorp
Classification: Uncertain significance for Brody myopathy. Last evaluated: 2022-02-24. Review status: criteria provided, single submitter. Criteria: Invitae Variant Classification Sherloc (09022015). Collection method: clinical testing. Allele origin: germline.
Comment: In summary, the available evidence is currently insufficient to determine the role of this variant in disease. Therefore, it has been classified as a Variant of Uncertain Significance. Algorithms developed to predict the effect of missense changes on protein structure and function (SIFT, PolyPhen-2, Align-GVGD) all suggest that this variant is likely to be disruptive. ClinVar contains an entry for this variant (Variation ID: 647518). This variant has not been reported in the literature in individuals affected with ATP2A1-related conditions. This variant is not present in population databases (gnomAD no frequency). This sequence change replaces proline, which is neutral and non-polar, with arginine, which is basic and polar, at codon 789 of the ATP2A1 protein (p.Pro789Arg).

NM_004320.6(ATP2A1):c.2366C>G (p.Pro789Arg)

Gene: ATP2A1 (ATPase sarcoplasmic/endoplasmic reticulum Ca2+ transporting 1; plus strand). Cytogenetic location: 16p11.2.
Variant type: single nucleotide variant.
Coding change: c.2366C>G on transcript NM_004320.6 (MANE Select); coding-DNA position 2366, C replaced by G.
Protein change: p.Pro789Arg; replaces proline 789 with arginine.
Molecular consequence: missense variant.
Genome position (GRCh38, 1-based): chr16:28,902,228, C>G. VCF-style: chr16-28902228-C-G. GRCh37 (hg19) VCF-style: chr16-28913549-C-G.
Other names: c.1991C>G, p.Pro664Arg (NM_001286075.2); c.2366C>G, p.Pro789Arg (NM_173201.5); short protein forms P789R, P664R.
Identifiers: ClinVar variation 647518 (VCV000647518.9), dbSNP rs121918115, ClinGen allele CA395413627.